The following is an entry in ClinVar:

NM_016653.3(MAP3K20):c.1677C>T (p.Gly559=)

Genes: MAP3K20 (mitogen-activated protein kinase kinase kinase 20; plus strand), MAP3K20-AS1 (MAP3K20 antisense RNA 1; minus strand). Cytogenetic location: 2q31.1.
Variant type: single nucleotide variant.
Coding change: c.1677C>T on transcript NM_016653.3 (MANE Select); coding-DNA position 1677, C replaced by T.
Protein change: p.Gly559=; no amino-acid change (glycine 559 retained).
Molecular consequence: synonymous variant.
Genome position (GRCh38, 1-based): chr2:173,263,870, C>T. VCF-style: chr2-173263870-C-T. GRCh37 (hg19) VCF-style: chr2-174128598-C-T.
Other names: c.1677C>T (NM_016653.2).
Identifiers: ClinVar variation 1422777 (VCV001422777.8), dbSNP rs749078774, ClinGen allele CA1970931.

ClinVar aggregate classification (germline): Likely benign. Review status: criteria provided, multiple submitters, no conflicts (2 of 4 stars). 2 submissions from 2 submitters: Likely benign (2). Last evaluated 2025-11-18.

Conditions:
MAP3K20-related disorder. Also called: MAP3K20-related condition.

Allele frequency attached by ClinVar (database versions not stated): gnomAD 0.00003 and 0.00004; ExAC 0.00005; gnomAD exomes 0.00005; TOPMed 0.00005.
gnomAD v4.1: 186 of 1,611,842 alleles (0.012%); highest among the groups gnomAD compares: Admixed American, 0.019%; no homozygotes.

Submissions (3):

Labcorp Genetics (formerly Invitae), Labcorp
Classification: Likely benign. Last evaluated: 2025-11-18. Review status: criteria provided, single submitter. Criteria: Invitae Variant Classification Sherloc (09022015). Collection method: clinical testing. Allele origin: germline.

PreventionGenetics, part of Exact Sciences
Classification: Likely benign for MAP3K20-related condition. Last evaluated: 2025-04-12. Review status: criteria provided, single submitter. Criteria: ACMG Guidelines, 2015. Collection method: clinical testing. Allele origin: germline.
Comment: This variant is classified as likely benign based on ACMG/AMP sequence variant interpretation guidelines (Richards et al. 2015 PMID: 25741868, with internal and published modifications).

Dr. Peter K. Rogan Lab, Western University
No classification provided (evidence only). Condition: Thyroid cancer, nonmedullary, 1. Review status: no classification provided. Collection method: in vitro. Allele origin: not applicable. Functional consequence: retained intron. Not counted in ClinVar's aggregate classification.